The following is an entry in ClinVar:

NM_005228.5(EGFR):c.890-16A>T

Gene: EGFR (epidermal growth factor receptor; plus strand). Cytogenetic location: 7p11.2.
Variant type: single nucleotide variant.
Coding change: c.890-16A>T on transcript NM_005228.5 (MANE Select); 16 bases into the intron before coding-DNA position 890, A replaced by T.
Molecular consequence: intron variant.
Genome position (GRCh38, 1-based): chr7:55,155,814, A>T. VCF-style: chr7-55155814-A-T. GRCh37 (hg19) VCF-style: chr7-55223507-A-T.
Other names: c.755-16A>T (NM_001346899.2, NM_001346897.2); c.89-16A>T (NM_001346941.2); c.890-16A>T (NM_001346898.2, NM_201284.2, NM_201282.2 and 1 more transcripts); c.731-16A>T (NM_001346900.2).
Identifiers: ClinVar variation 2035612 (VCV002035612.4), dbSNP rs767820212, ClinGen allele CA2580077266.

ClinVar aggregate classification (germline): Uncertain significance (1 of 4 stars; one submission).

Conditions:
EGFR-related lung cancer (EGFR). Identifiers: MedGen CN130014.

Submission:

Labcorp Genetics (formerly Invitae), Labcorp
Classification: Uncertain significance for EGFR-related lung cancer. Last evaluated: 2022-10-14. Review status: criteria provided, single submitter. Criteria: Invitae Variant Classification Sherloc (09022015). Collection method: clinical testing. Allele origin: germline.
Comment: This sequence change falls in intron 7 of the EGFR gene. It does not directly change the encoded amino acid sequence of the EGFR protein. This variant is not present in population databases (gnomAD no frequency). This variant has not been reported in the literature in individuals affected with EGFR-related conditions. Algorithms developed to predict the effect of sequence changes on RNA splicing suggest that this variant may disrupt the consensus splice site. In summary, the available evidence is currently insufficient to determine the role of this variant in disease. Therefore, it has been classified as a Variant of Uncertain Significance.